The following is an entry in ClinVar:

NM_001395656.1(ROBO2):c.3944A>G (p.Asp1315Gly)

Gene: ROBO2 (roundabout guidance receptor 2; plus strand). Cytogenetic location: 3p12.3.
Variant type: single nucleotide variant.
Coding change: c.3944A>G on transcript NM_001395656.1 (MANE Select); coding-DNA position 3944, A replaced by G.
Protein change: p.Asp1315Gly; replaces aspartic acid 1315 with glycine.
Molecular consequence: missense variant. On other transcripts: intron variant (1).
Genome position (GRCh38, 1-based): chr3:77,635,041, A>G. VCF-style: chr3-77635041-A-G. GRCh37 (hg19) VCF-style: chr3-77684192-A-G.
Other names: c.3980A>G, p.Asp1327Gly (NM_001128929.3); c.3944A>G, p.Asp1315Gly (NM_001290039.2); c.4127A>G, p.Asp1376Gly (NM_001290040.2, NM_001394212.1, NM_001395657.1); c.2153A>G, p.Asp718Gly (NM_001290065.2); c.3992A>G, p.Asp1331Gly (NM_001378190.1, NM_001378200.1, NM_001378201.1); c.4118A>G, p.Asp1373Gly (NM_001378191.1, NM_001378195.1, NM_001378196.1); c.4013A>G, p.Asp1338Gly (NM_001378192.1, NM_001378198.1, NM_001378199.1); c.3932A>G, p.Asp1311Gly (NM_001378193.1, NM_002942.5); and 6 more; short protein forms D1315G, D1327G, D1331G, D1338G, D1311G, D1312G, D718G, D1353G.
Identifiers: ClinVar variation 4998258 (VCV004998258.1).

ClinVar aggregate classification (germline): Uncertain significance (1 of 4 stars; one submission).

Conditions:
ROBO2-related disorder. Also called: ROBO2-related condition.

gnomAD v4.1: 2 of 1,614,102 alleles (0.00012%); highest among the groups gnomAD compares: Non-Finnish European, 0.00017%; no homozygotes.

Submission:

PreventionGenetics, part of Exact Sciences
Classification: Uncertain significance for ROBO2-related condition. Last evaluated: 2025-02-13. Review status: criteria provided, single submitter. Criteria: ACMG Guidelines, 2015. Collection method: clinical testing. Allele origin: germline.
Comment: The ROBO2 c.3980A>G variant is predicted to result in the amino acid substitution p.Asp1327Gly. To our knowledge, this variant has not been reported in the literature or in a large population database (gnomAD), indicating this variant is rare. This variant is also known as c.3932A>G (p.Asp1311Gly) on another transcript NM_002942. This variant is predicted to alter splicing based on available splicing prediction programs (SpliceAI, Jaganathan et al. 2019. PubMed ID: 30661751). However, the use of computer prediction programs is not equivalent to functional evidence. At this time, the clinical significance of this variant is uncertain due to the absence of conclusive functional and genetic evidence.